The following is an entry in ClinVar:

NM_006393.3(NEBL):c.2149-5G>A

Gene: NEBL (nebulette; minus strand). Cytogenetic location: 10p12.31.
Variant type: single nucleotide variant.
Coding change: c.2149-5G>A on transcript NM_006393.3 (MANE Select); 5 bases into the intron before coding-DNA position 2149, G replaced by A.
Molecular consequence: intron variant.
Genome position (GRCh38, 1-based): chr10:20,815,722, C>T on the plus strand (G>A on the coding strand, the complement: NEBL is on the minus strand). VCF-style: chr10-20815722-C-T. GRCh37 (hg19) VCF-style: chr10-21104651-C-T.
Other names: c.250-2782G>A (NM_001377326.1, NM_001377327.1, NM_001377328.1); c.358-2782G>A (NM_213569.2, NM_001173484.2, NM_001377322.1); c.301-2782G>A (NM_001377324.1); c.292-2782G>A (NM_001377325.1); c.310-2782G>A (NM_001377323.1).
Identifiers: ClinVar variation 138509 (VCV000138509.21), dbSNP rs71578956, ClinGen allele CA177431.
Genomic context (GRCh38, chr10:20,815,722, plus strand): 5'-ATTTCAGGAGTTACACTTAAAGTGGTAGCTCTTCCCAGCTGACCTCTGTAATAAACCTAT[C>T]ATTTCAGAGAACAAAAAATAGAATACTATGAATCAATTCAACAAAGAGACTTATTTATTT-3'

ClinVar aggregate classification (germline): Benign. Review status: criteria provided, multiple submitters, no conflicts (2 of 4 stars). 7 submissions from 7 submitters: Benign (6). 1 of the submissions does not count toward it. Last evaluated 2026-02-01.

Conditions:
NEBL-related disorder. Also called: NEBL-related condition.
Cardiovascular phenotype. Identifiers: MedGen CN230736.
Primary dilated cardiomyopathy (DCM). Also called: Dilated Cardiomyopathy. Identifiers: Orphanet 217604, MedGen C0007193, MeSH D002311, MONDO:0005021, HP:0001644. Inheritance: Various modes of inheritance.

Allele frequency attached by ClinVar (database versions not stated): ESP Exome Variant Server 0.00038; gnomAD 0.00272 and 0.00383; TOPMed 0.00393; ExAC 0.00756; gnomAD exomes 0.00770; 1000 Genomes Project 30x 0.02046; 1000 Genomes Project 0.02097.
gnomAD v4.1: 4,787 of 1,554,908 alleles (0.31%); highest among the groups gnomAD compares: East Asian, 9.2%; 212 homozygotes.

Submissions (7):

Labcorp Genetics (formerly Invitae), Labcorp
Classification: Benign for Primary dilated cardiomyopathy. Last evaluated: 2026-02-01. Review status: criteria provided, single submitter. Criteria: Invitae Variant Classification Sherloc (09022015). Collection method: clinical testing. Allele origin: germline.

Women's Health and Genetics/Laboratory Corporation of America, LabCorp
Classification: Benign. Last evaluated: 2023-04-10. Review status: criteria provided, single submitter. Criteria: LabCorp Variant Classification Summary - May 2015. Collection method: clinical testing. Allele origin: germline.

GeneDx
Classification: Benign. Last evaluated: 2014-03-11. Review status: criteria provided, single submitter. Criteria: GeneDx Variant Classification (06012015). Collection method: clinical testing. Allele origin: germline. Affected: yes.
Comment: This variant is considered likely benign or benign based on one or more of the following criteria: it is a conservative change, it occurs at a poorly conserved position in the protein, it is predicted to be benign by multiple in silico algorithms, and/or has population frequency not consistent with disease.

Ambry Genetics
Classification: Benign for Cardiovascular phenotype. Last evaluated: 2013-01-21. Review status: criteria provided, single submitter. Criteria: Ambry Autosomal Dominant and X-Linked criteria (10/2015). Collection method: clinical testing. Allele origin: germline. Observed: 1 variant allele.
Comment: General population or subpopulation frequency is too high to be a pathogenic mutation based on disease/syndrome prevalence and penetrance

Laboratory for Molecular Medicine, Mass General Brigham Personalized Medicine
Classification: Benign. Last evaluated: 2012-03-19. Review status: criteria provided, single submitter. Criteria: LMM Criteria. Collection method: clinical testing. Allele origin: germline. Observed: 9 variant alleles.
Comment: c.2149-5G>A in Intron 21 of NEBL: This variant is not expected to have clinical significance because it has been identified in 7.5% (9/120) of chromosomes from a population in the dbSNP database (rs 71578956).

Breakthrough Genomics
Classification: Benign. Review status: criteria provided, single submitter. Criteria: ACMG Guidelines, 2015. Collection method: not provided. Allele origin: germline. Inheritance: Unknown mechanism. Affected: yes.

PreventionGenetics, part of Exact Sciences
Classification: Benign for NEBL-related condition. Last evaluated: 2019-03-20. Review status: no assertion criteria provided. Collection method: clinical testing. Allele origin: germline. Not counted in ClinVar's aggregate classification.
Comment: This variant is classified as benign based on ACMG/AMP sequence variant interpretation guidelines (Richards et al. 2015 PMID: 25741868, with internal and published modifications).